The following is an entry in ClinVar:

NM_001353345.2(SETD1B):c.940G>A (p.Glu314Lys)

Gene: SETD1B (SET domain containing 1B, histone lysine methyltransferase; plus strand). Cytogenetic location: 12q24.31.
Variant type: single nucleotide variant.
Coding change: c.940G>A on transcript NM_001353345.2 (MANE Select); coding-DNA position 940, G replaced by A.
Protein change: p.Glu314Lys; replaces glutamic acid 314 with lysine.
Molecular consequence: missense variant.
Genome position (GRCh38, 1-based): chr12:121,809,885, G>A. VCF-style: chr12-121809885-G-A. GRCh37 (hg19) VCF-style: chr12-122247791-G-A.
Other names: short protein forms E314K.
Identifiers: ClinVar variation 4056000 (VCV004056000.1).

ClinVar aggregate classification (germline): Uncertain significance (1 of 4 stars; one submission).

gnomAD v4.1: 2 of 1,550,798 alleles (0.00013%); highest among the groups gnomAD compares: Non-Finnish European, 0.00017%; no homozygotes.

Submission:

GeneDx
Classification: Uncertain significance. Last evaluated: 2025-01-04. Review status: criteria provided, single submitter. Criteria: GeneDx Variant Classification Process June 2021. Collection method: clinical testing. Allele origin: germline. Affected: yes.
Comment: Not observed at significant frequency in large population cohorts (gnomAD); In silico analysis supports that this missense variant has a deleterious effect on protein structure/function; Has not been previously published as pathogenic or benign to our knowledge